The following is an entry in ClinVar:

ClinVar aggregate classification (germline): Conflicting classifications of pathogenicity. Review status: criteria provided, conflicting classifications (1 of 4 stars). 6 submissions from 6 submitters: Uncertain significance (3); Likely benign (3). Last evaluated 2025-10-08.

Conditions:
Thrombocythemia 1 (THCYT1). Also called: THROMBOCYTOSIS 1; THROMBOCYTHEMIA, SOMATIC. Identifiers: MedGen C3277671, MONDO:0008554, OMIM 187950.

Allele frequency attached by ClinVar (database versions not stated): gnomAD 0.00003; TOPMed 0.00003; gnomAD exomes 0.00005 and 0.00006; ExAC 0.00007; 1000 Genomes Project 30x 0.00016; 1000 Genomes Project 0.00020.
gnomAD v4.1: 86 of 1,614,134 alleles (0.0053%); highest among the groups gnomAD compares: Middle Eastern, 0.31%; 1 homozygote.

Submissions (6):

Labcorp Genetics (formerly Invitae), Labcorp
Classification: Likely benign. Last evaluated: 2025-10-08. Review status: criteria provided, single submitter. Criteria: Invitae Variant Classification Sherloc (09022015). Collection method: clinical testing. Allele origin: germline.

Blueprint Genetics
Classification: Likely benign. Last evaluated: 2024-05-27. Review status: criteria provided, single submitter. Criteria: ACMG Guidelines, 2015. Collection method: clinical testing. Allele origin: germline.

CeGaT Center for Human Genetics Tuebingen
Classification: Likely benign. Last evaluated: 2022-11-01. Review status: criteria provided, single submitter. Criteria: CeGaT Center For Human Genetics Tuebingen Variant Classification Criteria Version 2. Collection method: clinical testing. Allele origin: germline. Affected: yes. Observed: 1 variant allele.
Comment: THPO: BP4, BP7

Eurofins Ntd Llc (ga)
Classification: Uncertain significance. Last evaluated: 2018-01-24. Review status: criteria provided, single submitter. Criteria: EGL Classification Definitions 2015. Collection method: clinical testing. Allele origin: germline. Observed: 2 variant alleles, 2 heterozygotes.

Illumina Laboratory Services, Illumina
Classification: Uncertain significance for Thrombocythemia 1. Last evaluated: 2018-01-13. Review status: criteria provided, single submitter. Criteria: ICSL Variant Classification Criteria 13 December 2019. Collection method: clinical testing. Allele origin: germline.

Breakthrough Genomics
Classification: Uncertain significance. Review status: criteria provided, single submitter. Criteria: ACMG Guidelines, 2015. Collection method: not provided. Allele origin: germline. Inheritance: Autosomal dominant inheritance. Affected: yes.

NM_000460.4(THPO):c.183G>T (p.Leu61=)

Gene: THPO (thrombopoietin; minus strand). Cytogenetic location: 3q27.1.
Variant type: single nucleotide variant.
Coding change: c.183G>T on transcript NM_000460.4 (MANE Select); coding-DNA position 183, G replaced by T.
Protein change: p.Leu61=; no amino-acid change (leucine 61 retained).
Molecular consequence: synonymous variant.
Genome position (GRCh38, 1-based): chr3:184,375,560, C>A on the plus strand (G>T on the coding strand, the complement: THPO is on the minus strand). VCF-style: chr3-184375560-C-A. GRCh37 (hg19) VCF-style: chr3-184093348-C-A.
Other names: c.183G>T, p.Leu61= (LRG_580t1, NM_001177597.2, NM_001177598.2 and 6 more transcripts); c.603G>T, p.Leu201= (NM_001290003.1).
Identifiers: ClinVar variation 497712 (VCV000497712.39), dbSNP rs200666378, ClinGen allele CA2735027.